The following is an entry in ClinVar:

ClinVar aggregate classification (germline): Uncertain significance (1 of 4 stars; one submission).

Conditions:
Kufor-Rakeb syndrome (KRS). Also called: PARKINSON DISEASE 9, AUTOSOMAL RECESSIVE, JUVENILE-ONSET. Identifiers: Orphanet 306674, Orphanet 314632, MedGen C1847640, MONDO:0011706, OMIM 606693.
Autosomal recessive spastic paraplegia type 78. Identifiers: Orphanet 513436, MedGen C5567893, MONDO:0014975, OMIM 617225.

gnomAD v4.1: 2 of 1,613,932 alleles (0.00012%); highest among the groups gnomAD compares: Non-Finnish European, 0.00017%; no homozygotes.

Submission:

Labcorp Genetics (formerly Invitae), Labcorp
Classification: Uncertain significance for Kufor-Rakeb syndrome; Autosomal recessive spastic paraplegia type 78. Last evaluated: 2021-09-15. Review status: criteria provided, single submitter. Criteria: Invitae Variant Classification Sherloc (09022015). Collection method: clinical testing. Allele origin: germline.
Comment: This sequence change replaces valine with leucine at codon 1065 of the ATP13A2 protein (p.Val1065Leu). The valine residue is weakly conserved and there is a small physicochemical difference between valine and leucine. This variant is not present in population databases (ExAC no frequency). This variant has not been reported in the literature in individuals affected with ATP13A2-related conditions. Advanced modeling of protein sequence and biophysical properties (such as structural, functional, and spatial information, amino acid conservation, physicochemical variation, residue mobility, and thermodynamic stability) performed at Invitae indicates that this missense variant is not expected to disrupt ATP13A2 protein function. In summary, the available evidence is currently insufficient to determine the role of this variant in disease. Therefore, it has been classified as a Variant of Uncertain Significance.

NM_022089.4(ATP13A2):c.3193G>T (p.Val1065Leu)

Gene: ATP13A2 (ATPase cation transporting 13A2; minus strand). Cytogenetic location: 1p36.13.
Variant type: single nucleotide variant.
Coding change: c.3193G>T on transcript NM_022089.4 (MANE Select); coding-DNA position 3193, G replaced by T.
Protein change: p.Val1065Leu; replaces valine 1065 with leucine.
Molecular consequence: missense variant.
Genome position (GRCh38, 1-based): chr1:16,986,847, C>A on the plus strand (G>T on the coding strand, the complement: ATP13A2 is on the minus strand). VCF-style: chr1-16986847-C-A. GRCh37 (hg19) VCF-style: chr1-17313342-C-A.
Other names: c.3178G>T, p.Val1060Leu (NM_001141973.3); c.3061G>T, p.Val1021Leu (NM_001141974.3); short protein forms V1021L, V1065L, V1060L.
Identifiers: ClinVar variation 1380896 (VCV001380896.3), dbSNP rs377431904, ClinGen allele CA18625653.